The following is an entry in ClinVar:

NM_001099402.2(CCNK):c.164G>T (p.Arg55Leu)

Gene: CCNK (cyclin K; plus strand). Cytogenetic location: 14q32.2.
Variant type: single nucleotide variant.
Coding change: c.164G>T on transcript NM_001099402.2 (MANE Select); coding-DNA position 164, G replaced by T.
Protein change: p.Arg55Leu; replaces arginine 55 with leucine.
Molecular consequence: missense variant.
Genome position (GRCh38, 1-based): chr14:99,492,841, G>T. VCF-style: chr14-99492841-G-T. GRCh37 (hg19) VCF-style: chr14-99959178-G-T.
Other names: short protein forms R55L.
Identifiers: ClinVar variation 4689978 (VCV004689978.1).

ClinVar aggregate classification (germline): Uncertain significance (1 of 4 stars; one submission).

Submission:

GeneDx
Classification: Uncertain significance. Last evaluated: 2025-07-31. Review status: criteria provided, single submitter. Criteria: GeneDx Variant Classification Process June 2021. Collection method: clinical testing. Allele origin: germline. Affected: yes.
Comment: Not observed at significant frequency in large population cohorts (gnomAD); In silico analysis supports that this missense variant has a deleterious effect on protein structure/function; Has not been previously published as pathogenic or benign to our knowledge; Variants in candidate genes are classified as variants of uncertain significance in accordance with ACMG guidelines (PMID: 25741868)